The following is an entry in ClinVar:

ClinVar aggregate classification (germline): Uncertain significance (1 of 4 stars; one submission).

Conditions:
Bethlem myopathy 1A. Also called: MYOPATHY, BENIGN CONGENITAL, WITH CONTRACTURES; Bethlem myopathy 1; Bethlem Muscular Dystrophy. Identifiers: Orphanet 610, MedGen CN029274, MONDO:0024530, OMIM 158810.

Allele frequency attached by ClinVar (database versions not stated): gnomAD exomes below 0.00001.
gnomAD v4.1: 2 of 1,604,156 alleles (0.00012%); highest among the groups gnomAD compares: Non-Finnish European, 0.000085%; no homozygotes.

Submission:

Labcorp Genetics (formerly Invitae), Labcorp
Classification: Uncertain significance for Bethlem myopathy 1A. Last evaluated: 2024-10-28. Review status: criteria provided, single submitter. Criteria: Invitae Variant Classification Sherloc (09022015). Collection method: clinical testing. Allele origin: germline.
Comment: This sequence change replaces asparagine, which is neutral and polar, with serine, which is neutral and polar, at codon 2430 of the COL6A3 protein (p.Asn2430Ser). This variant is not present in population databases (gnomAD no frequency). This variant has not been reported in the literature in individuals affected with COL6A3-related conditions. Invitae Evidence Modeling of protein sequence and biophysical properties (such as structural, functional, and spatial information, amino acid conservation, physicochemical variation, residue mobility, and thermodynamic stability) indicates that this missense variant is not expected to disrupt COL6A3 protein function with a negative predictive value of 80%. In summary, the available evidence is currently insufficient to determine the role of this variant in disease. Therefore, it has been classified as a Variant of Uncertain Significance.

NM_004369.4(COL6A3):c.7289A>G (p.Asn2430Ser)

Gene: COL6A3 (collagen type VI alpha 3 chain; minus strand). Cytogenetic location: 2q37.3.
Variant type: single nucleotide variant.
Coding change: c.7289A>G on transcript NM_004369.4 (MANE Select); coding-DNA position 7289, A replaced by G.
Protein change: p.Asn2430Ser; replaces asparagine 2430 with serine.
Molecular consequence: missense variant.
Genome position (GRCh38, 1-based): chr2:237,344,729, T>C on the plus strand (A>G on the coding strand, the complement: COL6A3 is on the minus strand). VCF-style: chr2-237344729-T-C. GRCh37 (hg19) VCF-style: chr2-238253372-T-C.
Other names: c.5468A>G, p.Asn1823Ser (NM_057166.5); c.6671A>G, p.Asn2224Ser (NM_057167.4); short protein forms N1823S, N2224S, N2430S.
Identifiers: ClinVar variation 2909262 (VCV002909262.3), dbSNP rs2469817784, ClinGen allele CA351203992.